The following is an entry in ClinVar:

NM_198253.3(TERT):c.1760T>C (p.Ile587Thr)

Gene: TERT (telomerase reverse transcriptase; minus strand). Cytogenetic location: 5p15.33.
Variant type: single nucleotide variant.
Coding change: c.1760T>C on transcript NM_198253.3 (MANE Select); coding-DNA position 1760, T replaced by C.
Protein change: p.Ile587Thr; replaces isoleucine 587 with threonine.
Molecular consequence: missense variant. On other transcripts: non-coding transcript variant (2).
Genome position (GRCh38, 1-based): chr5:1,282,438, A>G on the plus strand (T>C on the coding strand, the complement: TERT is on the minus strand). VCF-style: chr5-1282438-A-G. GRCh37 (hg19) VCF-style: chr5-1282553-A-G.
Other names: p.Ile587Thr; c.1760T>C, p.Ile587Thr (NM_001193376.3); short protein forms I587T.
Identifiers: ClinVar variation 654082 (VCV000654082.19), dbSNP rs148882731, ClinGen allele CA3184781.
Genomic context (GRCh38, chr5:1,282,438, plus strand): 5'-CTGGTGTTCCAGGACTTCGAGAAGCAGAGGCCTGGCGTGGGGATACAGTACCTGATTCCA[A>G]TGCTTTGCAACTTGCTCCAGACACTCTTCCGGTAGAAAAAGAGCCTGTTCTTTTGAAACG-3'
Protein context (NP_937983.2, residues 577-597): RKSVWSKLQS[Ile587Thr]GIRQHLKRVQ

ClinVar aggregate classification (germline): Uncertain significance. Review status: criteria provided, multiple submitters, no conflicts (2 of 4 stars). 7 submissions from 7 submitters: Uncertain significance (7). Last evaluated 2025-08-07.

Conditions:
Idiopathic Pulmonary Fibrosis. Also called: Idiopathic fibrosing alveolitis, chronic form; idiopathic fibrosing alveolitis. Identifiers: Orphanet 2032, MedGen C1800706, MeSH D054990, MONDO:0800504.
Dyskeratosis congenita, autosomal dominant 2. Identifiers: MedGen C3151443, MONDO:0013521, OMIM 613989.
Acute myeloid leukemia (AML). Also called: Acute myeloid leukemia, adult; AML adult; Acute non-lymphocytic leukemia; Acute granulocytic leukemia; Leukemia, acute myeloid, somatic; Leukemia, acute myelogenous, somatic. Identifiers: Orphanet 519, MedGen C0023467, MeSH D015470, MONDO:0018874, OMIM 601626, HP:0004808. Disease mechanism: Constitutively activated FLT3.
Pulmonary fibrosis and/or bone marrow failure, Telomere-related, 1. Also called: PULMONARY FIBROSIS AND/OR BONE MARROW FAILURE SYNDROME, TELOMERE-RELATED, 1. Identifiers: Orphanet 88, MedGen C3553617, MONDO:0013878, OMIM 614742.
Melanoma, cutaneous malignant, susceptibility to, 9. Also called: Cutaneous malignant melanoma 9. Identifiers: Orphanet 618, MedGen C3554574, MONDO:0014056, OMIM 615134.
TERT-related disorder. Also called: TERT-related condition; TERT-related disorders.
Dyskeratosis congenita. Identifiers: Orphanet 1775, MedGen C0265965, MONDO:0015780.

Allele frequency attached by ClinVar (database versions not stated): ExAC 0.00001; gnomAD exomes 0.00001; TOPMed 0.00002; gnomAD 0.00003 and 0.00004; ESP Exome Variant Server 0.00008.

Submissions (7):

Labcorp Genetics (formerly Invitae), Labcorp
Classification: Uncertain significance for Dyskeratosis congenita, autosomal dominant 2; Idiopathic Pulmonary Fibrosis. Last evaluated: 2025-08-07. Review status: criteria provided, single submitter. Criteria: Invitae Variant Classification Sherloc (09022015). Collection method: clinical testing. Allele origin: germline.
Comment: This sequence change replaces isoleucine, which is neutral and non-polar, with threonine, which is neutral and polar, at codon 587 of the TERT protein (p.Ile587Thr). This variant is present in population databases (rs148882731, gnomAD 0.005%). This missense change has been observed in individual(s) with myelodysplastic syndrome (PMID: 30523342). ClinVar contains an entry for this variant (Variation ID: 654082). Invitae Evidence Modeling of protein sequence and biophysical properties (such as structural, functional, and spatial information, amino acid conservation, physicochemical variation, residue mobility, and thermodynamic stability) has been performed for this missense variant. However, the output from this modeling did not meet the statistical confidence thresholds required to predict the impact of this variant on TERT protein function. In summary, the available evidence is currently insufficient to determine the role of this variant in disease. Therefore, it has been classified as a Variant of Uncertain Significance.

PreventionGenetics, part of Exact Sciences
Classification: Uncertain significance for TERT-related condition. Last evaluated: 2025-06-24. Review status: criteria provided, single submitter. Criteria: ACMG Guidelines, 2015. Collection method: clinical testing. Allele origin: germline.
Comment: The TERT c.1760T>C variant is predicted to result in the amino acid substitution p.Ile587Thr. This variant was reported in an individual with myelodysplastic syndrome; this variant was also described in that individual's daughter, although clinical information was not provided (Gutierrez-Rodrigues et al. 2019. PubMed ID: 30523342). This variant was also described, in the compound heterozygous state, in an individual with dyskeratosis congenita (supplementary data, Zhang et al. 2015. PubMed ID: 25239263). This variant is reported in 0.0050% of alleles in individuals of East Asian descent in gnomAD. At this time, the clinical significance of this variant is uncertain due to the absence of conclusive functional and genetic evidence.

Ambry Genetics
Classification: Uncertain significance for Dyskeratosis congenita. Last evaluated: 2025-04-21. Review status: criteria provided, single submitter. Criteria: Ambry Variant Classification Scheme 2023. Collection method: clinical testing. Allele origin: germline.
Comment: The p.I587T variant (also known as c.1760T>C), located in coding exon 3 of the TERT gene, results from a T to C substitution at nucleotide position 1760. The isoleucine at codon 587 is replaced by threonine, an amino acid with similar properties. This variant has been reported in a patient with myelodysplastic syndrome (Gutierrez-Rodrigues F et al. Genet Med, 2019 Jul;21:1594-1602). This amino acid position is not well conserved in available vertebrate species. In addition, the in silico prediction for this alteration is inconclusive. Based on the available evidence, the clinical significance of this variant remains unclear.

Fulgent Genetics
Classification: Uncertain significance for Acute myeloid leukemia; Dyskeratosis congenita, autosomal dominant 2; Pulmonary fibrosis and/or bone marrow failure, Telomere-related, 1; Melanoma, cutaneous malignant, susceptibility to, 9. Last evaluated: 2024-06-05. Review status: criteria provided, single submitter. Criteria: ACMG Guidelines, 2015. Collection method: clinical testing. Allele origin: germline.

GeneDx
Classification: Uncertain significance. Last evaluated: 2024-05-10. Review status: criteria provided, single submitter. Criteria: GeneDx Variant Classification Process June 2021. Collection method: clinical testing. Allele origin: germline. Affected: yes.
Comment: Reported in an individual with myelodysplastic syndrome and telomere length less than the 10th percentile (PMID: 30523342); In silico analysis supports that this missense variant has a deleterious effect on protein structure/function; This variant is associated with the following publications: (PMID: 34384153, 30523342)

Baylor Genetics
Classification: Uncertain significance for Dyskeratosis congenita, autosomal dominant 2. Last evaluated: 2023-09-08. Review status: criteria provided, single submitter. Criteria: ACMG Guidelines, 2015. Collection method: clinical testing. Allele origin: unknown.

Mayo Clinic Laboratories, Mayo Clinic
Classification: Uncertain significance. Last evaluated: 2021-04-28. Review status: criteria provided, single submitter. Criteria: ACMG Guidelines, 2015. Collection method: clinical testing. Allele origin: germline.

Literature cited by the submitters: PubMed 30523342 (cited by Labcorp Genetics (formerly Invitae), Labcorp and Ambry Genetics).